The following is an entry in ClinVar:

ClinVar aggregate classification (germline): Uncertain significance (1 of 4 stars; one submission).

Allele frequency attached by ClinVar (database versions not stated): gnomAD exomes 0.00001; TOPMed 0.00003; ExAC 0.00002.
gnomAD v4.1: 10 of 1,613,614 alleles (0.00062%); highest among the groups gnomAD compares: Admixed American, 0.012%; no homozygotes.

Submission:

Labcorp Genetics (formerly Invitae), Labcorp
Classification: Uncertain significance. Last evaluated: 2025-10-31. Review status: criteria provided, single submitter. Criteria: Invitae Variant Classification Sherloc (09022015). Collection method: clinical testing. Allele origin: germline.
Comment: This sequence change replaces isoleucine, which is neutral and non-polar, with valine, which is neutral and non-polar, at codon 1572 of the MYO3A protein (p.Ile1572Val). This variant is present in population databases (rs774660855, gnomAD 0.01%). This variant has not been reported in the literature in individuals affected with MYO3A-related conditions. ClinVar contains an entry for this variant (Variation ID: 3023399). An algorithm developed to predict the effect of missense changes on protein structure and function (PolyPhen-2) suggests that this variant is likely to be tolerated. In summary, the available evidence is currently insufficient to determine the role of this variant in disease. Therefore, it has been classified as a Variant of Uncertain Significance.

NM_017433.5(MYO3A):c.4714A>G (p.Ile1572Val)

Gene: MYO3A (myosin IIIA; plus strand). Cytogenetic location: 10p12.1.
Variant type: single nucleotide variant.
Coding change: c.4714A>G on transcript NM_017433.5 (MANE Select); coding-DNA position 4714, A replaced by G.
Protein change: p.Ile1572Val; replaces isoleucine 1572 with valine.
Molecular consequence: missense variant.
Genome position (GRCh38, 1-based): chr10:26,203,091, A>G. VCF-style: chr10-26203091-A-G. GRCh37 (hg19) VCF-style: chr10-26492020-A-G.
Other names: short protein forms I1572V.
Identifiers: ClinVar variation 3023399 (VCV003023399.3), dbSNP rs774660855, ClinGen allele CA5445548.